The following is an entry in ClinVar:

ClinVar aggregate classification (germline): Uncertain significance (1 of 4 stars; one submission).

Conditions:
Charcot-Marie-Tooth disease dominant intermediate C (CMTDIC). Also called: CHARCOT-MARIE-TOOTH NEUROPATHY, DOMINANT INTERMEDIATE C. Identifiers: Orphanet 100045, MedGen C1842237, MONDO:0012012, OMIM 608323.

Allele frequency attached by ClinVar (database versions not stated): gnomAD exomes 0.00001 and below 0.00001.
gnomAD v4.1: 3 of 1,614,086 alleles (0.00019%); highest among the groups gnomAD compares: Admixed American, 0.0017%; no homozygotes.

Submission:

Labcorp Genetics (formerly Invitae), Labcorp
Classification: Uncertain significance for Charcot-Marie-Tooth disease dominant intermediate C. Last evaluated: 2018-03-30. Review status: criteria provided, single submitter. Criteria: Invitae Variant Classification Sherloc (09022015). Collection method: clinical testing. Allele origin: germline.
Comment: This variant is not present in population databases (ExAC no frequency). In summary, the available evidence is currently insufficient to determine the role of this variant in disease. Therefore, it has been classified as a Variant of Uncertain Significance. Algorithms developed to predict the effect of missense changes on protein structure and function output the following: SIFT: "Tolerated"; PolyPhen-2: "Benign"; Align-GVGD: "Class C0". The threonine amino acid residue is found in multiple mammalian species, suggesting that this missense change does not adversely affect protein function. These predictions have not been confirmed by published functional studies and their clinical significance is uncertain. This variant has not been reported in the literature in individuals with YARS-related disease. This sequence change replaces methionine with threonine at codon 350 of the YARS protein (p.Met350Thr). The methionine residue is weakly conserved and there is a moderate physicochemical difference between methionine and threonine.

NM_003680.4(YARS1):c.1049T>C (p.Met350Thr)

Gene: YARS1 (tyrosyl-tRNA synthetase 1; minus strand). Cytogenetic location: 1p35.1.
Variant type: single nucleotide variant.
Coding change: c.1049T>C on transcript NM_003680.4 (MANE Select); coding-DNA position 1049, T replaced by C.
Protein change: p.Met350Thr; replaces methionine 350 with threonine.
Molecular consequence: missense variant.
Genome position (GRCh38, 1-based): chr1:32,781,139, A>G on the plus strand (T>C on the coding strand, the complement: YARS1 is on the minus strand). VCF-style: chr1-32781139-A-G. GRCh37 (hg19) VCF-style: chr1-33246740-A-G.
Other names: short protein forms M350T.
Identifiers: ClinVar variation 569694 (VCV000569694.7), dbSNP rs1490757097, ClinGen allele CA339682987.
Genomic context (GRCh38, chr1:32,781,139, plus strand): 5'-ATATCCAGCCGGGATGGGATGACCTCCTCTGGTTCTGAATTCTTGGCAGGGCCTTTGGCC[A>G]TTGGCTCTGGGAATGAGAAGAACCCCATGAGGTAGAATTCTTCCCTGTGGCAGGTCAGCT-3'
Protein context (NP_003671.1, residues 340-360): AYPDPSKQKP[Met350Thr]AKGPAKNSEP